The following is an entry in ClinVar:

ClinVar aggregate classification (germline): Conflicting classifications of pathogenicity. Review status: criteria provided, conflicting classifications (1 of 4 stars). 4 submissions from 4 submitters: Pathogenic (1); Likely benign (2). 1 of the submissions does not count toward it. Last evaluated 2024-02-23.

Conditions:
Tuberous sclerosis syndrome (TSC). Also called: Tuberous Sclerosis Complex; Tuberous sclerosis. Identifiers: Orphanet 805, MedGen C0041341, MONDO:0001734.
Tuberous sclerosis 2 (TSC2). Identifiers: Orphanet 805, MedGen C1860707, MONDO:0013199, OMIM 613254.

Allele frequency attached by ClinVar (database versions not stated): gnomAD exomes below 0.00001.
gnomAD v4.1: 1 of 1,612,892 alleles (0.000062%); highest among the groups gnomAD compares: Non-Finnish European, 0.000085%; no homozygotes.

Submissions (4):

Labcorp Genetics (formerly Invitae), Labcorp
Classification: Pathogenic for Tuberous sclerosis 2. Last evaluated: 2024-02-23. Review status: criteria provided, single submitter. Criteria: Invitae Variant Classification Sherloc (09022015). Collection method: clinical testing. Allele origin: germline.
Comment: This sequence change replaces tryptophan, which is neutral and slightly polar, with glycine, which is neutral and non-polar, at codon 1208 of the TSC2 protein (p.Trp1208Gly). This variant is not present in population databases (gnomAD no frequency). This missense change has been observed in individual(s) with clinical features of tuberous sclerosis (PMID: 21520333; Invitae). It has also been observed to segregate with disease in related individuals. ClinVar contains an entry for this variant (Variation ID: 49529). Advanced modeling of protein sequence and biophysical properties (such as structural, functional, and spatial information, amino acid conservation, physicochemical variation, residue mobility, and thermodynamic stability) performed at Invitae indicates that this missense variant is expected to disrupt TSC2 protein function with a positive predictive value of 95%. For these reasons, this variant has been classified as Pathogenic.

Genome-Nilou Lab
Classification: Likely benign for Tuberous sclerosis 2. Last evaluated: 2021-11-07. Review status: criteria provided, single submitter. Criteria: ACMG Guidelines, 2015. Collection method: clinical testing. Allele origin: germline. Affected: no.

PreventionGenetics, part of Exact Sciences
Classification: Likely benign. Review status: criteria provided, single submitter. Criteria: ACMG Guidelines, 2015. Collection method: clinical testing. Allele origin: germline.

Tuberous sclerosis database (TSC2)
No classification provided. Condition: TSC. Review status: no classification provided. Criteria: Tuberous Sclerosis Database Assertion Criteria 2015. Collection method: curation. Allele origin: germline. Affected: yes. Not counted in ClinVar's aggregate classification.

Literature cited by the submitters: PubMed 21520333 (cited by Labcorp Genetics (formerly Invitae), Labcorp).

NM_000548.5(TSC2):c.3622T>G (p.Trp1208Gly)

Gene: TSC2 (TSC complex subunit 2; plus strand). Cytogenetic location: 16p13.3.
Variant type: single nucleotide variant.
Coding change: c.3622T>G on transcript NM_000548.5 (MANE Select); coding-DNA position 3622, T replaced by G.
Protein change: p.Trp1208Gly; replaces tryptophan 1208 with glycine.
Molecular consequence: missense variant.
Genome position (GRCh38, 1-based): chr16:2,081,606, T>G. VCF-style: chr16-2081606-T-G. GRCh37 (hg19) VCF-style: chr16-2131607-T-G.
Other names: c.3490T>G, p.Trp1164Gly (NM_001077183.3, NM_001370404.1); c.3622T>G, p.Trp1208Gly (NM_001114382.3); c.3382T>G, p.Trp1128Gly (NM_001318827.2); c.3346T>G, p.Trp1116Gly (NM_001318829.2); c.2890T>G, p.Trp964Gly (NM_001318831.2); c.3523T>G, p.Trp1175Gly (NM_001318832.2); c.3493T>G, p.Trp1165Gly (NM_001363528.2, NM_001370405.1, NM_021055.3); short protein forms W1208G, W1128G, W1165G, W964G, W1116G, W1164G, W1175G.
Identifiers: ClinVar variation 49529 (VCV000049529.13), dbSNP rs45482795, ClinGen allele CA019409.